The following is an entry in ClinVar:

NM_000214.3(JAG1):c.2304C>A (p.Cys768Ter)

Gene: JAG1 (jagged canonical Notch ligand 1; minus strand). Cytogenetic location: 20p12.2.
Variant type: single nucleotide variant.
Coding change: c.2304C>A on transcript NM_000214.3 (MANE Select); coding-DNA position 2304, C replaced by A.
Protein change: p.Cys768Ter; replaces cysteine 768 with a stop codon.
Molecular consequence: nonsense.
Genome position (GRCh38, 1-based): chr20:10,644,903, G>T on the plus strand (C>A on the coding strand, the complement: JAG1 is on the minus strand). VCF-style: chr20-10644903-G-T. GRCh37 (hg19) VCF-style: chr20-10625551-G-T.
Other names: c.2304C>A, p.Cys768Ter (LRG_1191t1); short protein forms C768*.
Identifiers: ClinVar variation 234322 (VCV000234322.8), dbSNP rs755427292, ClinGen allele CA10577608.

ClinVar aggregate classification (germline): Pathogenic. Review status: criteria provided, multiple submitters, no conflicts (2 of 4 stars). 4 submissions from 4 submitters: Pathogenic (4). Last evaluated 2025-10-21.

Conditions:
JAG1-related disorder. Also called: JAG1-related condition; JAG1-related disorders.
Alagille syndrome due to a JAG1 point mutation. Also called: JAG1-Related Alagille Syndrome; HEPATIC DUCTULAR HYPOPLASIA, SYNDROMATIC; Alagille Syndrome 1. Identifiers: Orphanet 261619, Orphanet 52, MedGen C1956125, MONDO:0016862, OMIM 118450.

Submissions (4):

PreventionGenetics, part of Exact Sciences
Classification: Pathogenic for JAG1-related condition. Last evaluated: 2025-10-21. Review status: criteria provided, single submitter. Criteria: ACMG Guidelines, 2015. Collection method: clinical testing. Allele origin: germline.
Comment: The JAG1 c.2304C>A variant is predicted to result in premature protein termination (p.Cys768*). This variant has been reported to be maternally inherited in an individual with Alagille syndrome (Jurkiewicz et al. 2014. PubMed ID: 24748328). This variant has not been reported in a large population database (gnomAD), indicating this variant is rare. Nonsense variants in JAG1 are expected to be pathogenic. This variant is interpreted as pathogenic.

Blueprint Genetics
Classification: Pathogenic for JAG1-related disorders. Last evaluated: 2024-01-24. Review status: criteria provided, single submitter. Criteria: ACMG Guidelines, 2015. Collection method: clinical testing. Allele origin: germline. Affected: yes. Observed: 1 variant allele.

Labcorp Genetics (formerly Invitae), Labcorp
Classification: Pathogenic for Alagille syndrome due to a JAG1 point mutation. Last evaluated: 2022-03-13. Review status: criteria provided, single submitter. Criteria: Invitae Variant Classification Sherloc (09022015). Collection method: clinical testing. Allele origin: germline.
Comment: This variant is not present in population databases (gnomAD no frequency). This premature translational stop signal has been observed in individual(s) with Alagille syndrome (PMID: 24748328). ClinVar contains an entry for this variant (Variation ID: 234322). Algorithms developed to predict the effect of sequence changes on RNA splicing suggest that this variant may disrupt the consensus splice site. For these reasons, this variant has been classified as Pathogenic. This sequence change creates a premature translational stop signal (p.Cys768*) in the JAG1 gene. It is expected to result in an absent or disrupted protein product. Loss-of-function variants in JAG1 are known to be pathogenic (PMID: 11180599).

GeneDx
Classification: Pathogenic. Last evaluated: 2015-12-02. Review status: criteria provided, single submitter. Criteria: GeneDx Variant Classification (06012015). Collection method: clinical testing. Allele origin: germline. Affected: yes.
Comment: The C768X nonsense variant in the JAG1 gene has been reported previously in association with Alagille syndrome (Jurkiewicz et al., 2014). This pathogenic variant is predicted to cause loss of normal protein function either through protein truncation or nonsense-mediated mRNA decay. The C768X variant was not observed in approximately 6,500 individuals of European and African American ancestry in the NHLBI Exome Sequencing Project, indicating it is not a common benign variant in these populations

Literature cited by the submitters: PubMed 24748328 (cited by Labcorp Genetics (formerly Invitae), Labcorp); PubMed 11180599 (cited by Labcorp Genetics (formerly Invitae), Labcorp).